The following is an entry in ClinVar:

ClinVar aggregate classification (germline): Benign/Likely benign. Review status: criteria provided, multiple submitters, no conflicts (2 of 4 stars). 13 submissions from 13 submitters: Benign (3); Likely benign (6). 4 of the submissions do not count toward it. Last evaluated 2026-10-01.

Conditions:
Neuronal ceroid lipofuscinosis 11. Also called: GRN-Related Neuronal Ceroid-Lipofuscinosis. Identifiers: Orphanet 314629, Orphanet 79262, MedGen C3539123, MONDO:0013866, OMIM 614706.
GRN-related frontotemporal lobar degeneration with Tdp43 inclusions (FTD2). Also called: DEMENTIA, HEREDITARY DYSPHASIC DISINHIBITION; FRONTOTEMPORAL LOBAR DEGENERATION WITH UBIQUITIN-POSITIVE INCLUSIONS; FTLD-TDP, GRN-RELATED; FRONTOTEMPORAL DEMENTIA WITH TDP43 INCLUSIONS, GRN-RELATED; GRN Frontotemporal Dementia. Identifiers: Orphanet 100070, Orphanet 282, MedGen C1843792, MONDO:0011842, OMIM 607485. Disease mechanism: loss of function.

Allele frequency attached by ClinVar (database versions not stated): 1000 Genomes Project 0.00499; gnomAD 0.00514 and 0.00548; 1000 Genomes Project 30x 0.00562; ESP Exome Variant Server 0.00600; TOPMed 0.00625.
gnomAD v4.1: 9,877 of 1,614,116 alleles (0.61%); highest among the groups gnomAD compares: Middle Eastern, 0.89%; 35 homozygotes.

Submissions (13):

CeGaT Center for Human Genetics Tuebingen
Classification: Likely benign. Last evaluated: 2026-10-01. Review status: criteria provided, single submitter. Criteria: CeGaT Center For Human Genetics Tuebingen Variant Classification Criteria Version 2. Collection method: clinical testing. Allele origin: germline. Affected: yes. Observed: 48 variant alleles.
Comment: GRN: BP4, BS2

Labcorp Genetics (formerly Invitae), Labcorp
Classification: Benign for Neuronal ceroid lipofuscinosis 11; GRN-related frontotemporal lobar degeneration with Tdp43 inclusions. Last evaluated: 2026-02-03. Review status: criteria provided, single submitter. Criteria: Invitae Variant Classification Sherloc (09022015). Collection method: clinical testing. Allele origin: germline.

Blueprint Genetics
Classification: Likely benign. Last evaluated: 2024-11-20. Review status: criteria provided, single submitter. Criteria: ACMG Guidelines, 2015. Collection method: clinical testing. Allele origin: germline.

GeneDx
Classification: Likely benign. Last evaluated: 2020-01-22. Review status: criteria provided, single submitter. Criteria: GeneDx Variant Classification Process June 2021. Collection method: clinical testing. Allele origin: germline. Affected: yes.

Athena Diagnostics
Classification: Benign for GRN-related frontotemporal lobar degeneration with Tdp43 inclusions. Last evaluated: 2017-06-23. Review status: criteria provided, single submitter. Criteria: Athena Diagnostics Criteria. Collection method: clinical testing. Allele origin: germline.

Illumina Laboratory Services, Illumina
Classification: Likely benign for GRN-related frontotemporal lobar degeneration with Tdp43 inclusions. Last evaluated: 2017-04-27. Review status: criteria provided, single submitter. Criteria: ICSL Variant Classification Criteria 13 December 2019. Collection method: clinical testing. Allele origin: germline.
Comment: This variant was observed as part of a predisposition screen in an ostensibly healthy population. A literature search was performed for the gene, cDNA change, and amino acid change (where applicable). No publications were found based on this search. Allele frequency data from public databases allowed determination this variant is unlikely to cause disease. Therefore, this variant is classified as likely benign.

Eurofins Ntd Llc (ga)
Classification: Likely benign. Last evaluated: 2014-10-28. Review status: criteria provided, single submitter. Criteria: EGL Classification Definitions 2015. Collection method: clinical testing. Allele origin: germline. Observed: 1 variant allele, 1 heterozygote.

Breakthrough Genomics
Classification: Likely benign. Review status: criteria provided, single submitter. Criteria: ACMG Guidelines, 2015. Collection method: not provided. Allele origin: germline. Inheritance: Autosomal recessive inheritance. Affected: yes.

PreventionGenetics, part of Exact Sciences
Classification: Benign. Review status: criteria provided, single submitter. Criteria: ACMG Guidelines, 2015. Collection method: clinical testing. Allele origin: germline.

Mayo Clinic Laboratories, Mayo Clinic
Classification: Likely benign. Last evaluated: 2017-06-07. Review status: no assertion criteria provided. Collection method: clinical testing. Allele origin: unknown. Not counted in ClinVar's aggregate classification.

Clinical Genetics DNA and cytogenetics Diagnostics Lab, Erasmus MC, Erasmus Medical Center
Classification: Likely benign. Review status: no assertion criteria provided. Collection method: clinical testing. Allele origin: germline. Affected: yes. Study: VKGL Data-share Consensus. Not counted in ClinVar's aggregate classification.

Clinical Genetics, Academic Medical Center
Classification: Benign. Review status: no assertion criteria provided. Collection method: clinical testing. Allele origin: germline. Affected: yes. Study: VKGL Data-share Consensus. Not counted in ClinVar's aggregate classification.

Genome Diagnostics Laboratory, Amsterdam University Medical Center
Classification: Likely benign. Review status: no assertion criteria provided. Collection method: clinical testing. Allele origin: germline. Affected: yes. Study: VKGL Data-share Consensus. Not counted in ClinVar's aggregate classification.

Literature cited by the submitters: PubMed 17345602 (cited by Athena Diagnostics).

NM_002087.4(GRN):c.264+7G>A

Gene: GRN (granulin precursor; plus strand). Cytogenetic location: 17q21.31.
Variant type: single nucleotide variant.
Coding change: c.264+7G>A on transcript NM_002087.4 (MANE Select); 7 bases into the intron after coding-DNA position 264, G replaced by A.
Molecular consequence: intron variant.
Genome position (GRCh38, 1-based): chr17:44,349,558, G>A. VCF-style: chr17-44349558-G-A. GRCh37 (hg19) VCF-style: chr17-42426926-G-A.
Identifiers: ClinVar variation 196337 (VCV000196337.68), dbSNP rs60100877, ClinGen allele CA202311.